The following is an entry in ClinVar:

NM_005984.5(SLC25A1):c.748-7C>A

Gene: SLC25A1 (solute carrier family 25 member 1; minus strand). Cytogenetic location: 22q11.21.
Variant type: single nucleotide variant.
Coding change: c.748-7C>A on transcript NM_005984.5 (MANE Select); 7 bases into the intron before coding-DNA position 748, C replaced by A.
Molecular consequence: intron variant.
Genome position (GRCh38, 1-based): chr22:19,176,501, G>T on the plus strand (C>A on the coding strand, the complement: SLC25A1 is on the minus strand). VCF-style: chr22-19176501-G-T. GRCh37 (hg19) VCF-style: chr22-19164014-G-T.
Other names: p.?; c.439-7C>A (NM_001287387.2); c.769-7C>A (NM_001256534.2).
Identifiers: ClinVar variation 2074461 (VCV002074461.5), dbSNP rs201799277, ClinGen allele CA10097303.

ClinVar aggregate classification (germline): Likely benign. Review status: criteria provided, multiple submitters, no conflicts (2 of 4 stars). 2 submissions from 2 submitters: Likely benign (2). Last evaluated 2025-12-20.

Allele frequency attached by ClinVar (database versions not stated): ExAC 0.00001; gnomAD 0.00012; TOPMed 0.00021.

Submissions (2):

Labcorp Genetics (formerly Invitae), Labcorp
Classification: Likely benign. Last evaluated: 2025-12-20. Review status: criteria provided, single submitter. Criteria: Invitae Variant Classification Sherloc (09022015). Collection method: clinical testing. Allele origin: germline.

Mayo Clinic Laboratories, Mayo Clinic
Classification: Likely benign. Last evaluated: 2025-07-11. Review status: criteria provided, single submitter. Criteria: ACMG Guidelines, 2015. Collection method: clinical testing. Allele origin: germline. Observed: 1 variant allele.
Comment: BP4, BP7